The following is an entry in ClinVar:

ClinVar aggregate classification (germline): Uncertain significance (1 of 4 stars; one submission).

Conditions:
Acyl-CoA oxidase deficiency. Also called: Peroxisomal acyl-CoA oxidase deficiency; STRAIGHT-CHAIN ACYL-CoA OXIDASE DEFICIENCY; Pseudoneonatal adrenoleukodystrophy. Identifiers: Orphanet 2971, MedGen C1849678, MONDO:0009919, OMIM 264470. Disease mechanism: loss of function.

Allele frequency attached by ClinVar (database versions not stated): gnomAD 0.00003; TOPMed 0.00005.
gnomAD v4.1: 12 of 1,611,582 alleles (0.00074%); highest among the groups gnomAD compares: Admixed American, 0.015%; no homozygotes.

Submission:

Labcorp Genetics (formerly Invitae), Labcorp
Classification: Uncertain significance for Acyl-CoA oxidase deficiency. Last evaluated: 2024-07-27. Review status: criteria provided, single submitter. Criteria: Invitae Variant Classification Sherloc (09022015). Collection method: clinical testing. Allele origin: germline.
Comment: This sequence change replaces proline, which is neutral and non-polar, with leucine, which is neutral and non-polar, at codon 3 of the ACOX1 protein (p.Pro3Leu). This variant is present in population databases (no rsID available, gnomAD 0.01%). This variant has not been reported in the literature in individuals affected with ACOX1-related conditions. ClinVar contains an entry for this variant (Variation ID: 2161209). An algorithm developed to predict the effect of missense changes on protein structure and function (PolyPhen-2) suggests that this variant is likely to be tolerated. In summary, the available evidence is currently insufficient to determine the role of this variant in disease. Therefore, it has been classified as a Variant of Uncertain Significance.

NM_004035.7(ACOX1):c.8C>T (p.Pro3Leu)

Gene: ACOX1 (acyl-CoA oxidase 1; minus strand). Cytogenetic location: 17q25.1.
Variant type: single nucleotide variant.
Coding change: c.8C>T on transcript NM_004035.7 (MANE Select); coding-DNA position 8, C replaced by T.
Protein change: p.Pro3Leu; replaces proline 3 with leucine.
Molecular consequence: missense variant. On other transcripts: 5 prime UTR variant (1).
Genome position (GRCh38, 1-based): chr17:75,979,066, G>A on the plus strand (C>T on the coding strand, the complement: ACOX1 is on the minus strand). VCF-style: chr17-75979066-G-A. GRCh37 (hg19) VCF-style: chr17-73975147-G-A.
Other names: c.-281C>T (NM_001185039.2); c.8C>T, p.Pro3Leu (NM_007292.6); short protein forms P3L.
Identifiers: ClinVar variation 2161209 (VCV002161209.3), dbSNP rs1343563450, ClinGen allele CA401085336.
Genomic context (GRCh38, chr17:75,979,066, plus strand): 5'-AGGATGTGTGTAAGCAGCTCCGGGTTGAAGCTGGCGGAATCCCGCTCCCTGCGCAGGTCC[G>A]GGTTCATGGCGACGACCAGCTGGCAGCGAAGTAAGCACCGACCGAGGTGGCAGTGACAAT-3'
Protein context (NP_004026.2, residues 1-13): MN[Pro3Leu]DLRRERDSAS